The following is an entry in ClinVar:

NM_024529.5(CDC73):c.1032T>G (p.Val344=)

Gene: CDC73 (cell division cycle 73; plus strand). Cytogenetic location: 1q31.2.
Variant type: single nucleotide variant.
Coding change: c.1032T>G on transcript NM_024529.5 (MANE Select); coding-DNA position 1032, T replaced by G.
Protein change: p.Val344=; no amino-acid change (valine 344 retained).
Molecular consequence: synonymous variant.
Genome position (GRCh38, 1-based): chr1:193,212,066, T>G. VCF-style: chr1-193212066-T-G. GRCh37 (hg19) VCF-style: chr1-193181196-T-G.
Identifiers: ClinVar variation 241490 (VCV000241490.52), dbSNP rs148612206, ClinGen allele CA1303742.

ClinVar aggregate classification (germline): Benign/Likely benign. Review status: criteria provided, multiple submitters, no conflicts (2 of 4 stars). 12 submissions from 10 submitters: Benign (5); Likely benign (7). Last evaluated 2026-02-03.

Conditions:
Parathyroid carcinoma (PRTC). Also called: CDC73-Related Parathyroid Carcinoma; Parathyroid gland carcinoma. Identifiers: Orphanet 143, MedGen C0687150, MONDO:0012004, OMIM 608266, HP:0006780.
Hyperparathyroidism 2 with jaw tumors. Also called: Hyperparathyroidism 2; HYPERPARATHYROIDISM, FAMILIAL PRIMARY, WITH MULTIPLE OSSIFYING JAW FIBROMAS; HYPERPARATHYROIDISM-JAW TUMOR SYNDROME, HEREDITARY; Hyperparathyroidism-Jaw Tumor Syndrome. Identifiers: Orphanet 99880, MedGen C1704981, MONDO:0007768, OMIM 145001.
Hereditary cancer-predisposing syndrome. Also called: Tumor predisposition; Hereditary Cancer Syndrome; Neoplastic Syndromes, Hereditary; Hereditary neoplastic syndrome. Identifiers: Orphanet 140162, MedGen C0027672, MeSH D009386, MONDO:0015356.
Hyperparathyroidism 1 (HRPT1). Also called: HYPERPARATHYROIDISM, FAMILIAL ISOLATED PRIMARY. Identifiers: Orphanet 99879, MedGen C1840402, MONDO:0007767, OMIM 145000.

Allele frequency attached by ClinVar (database versions not stated): ESP Exome Variant Server 0.00062; gnomAD 0.00064 and 0.00070; TOPMed 0.00073; gnomAD exomes 0.00116; ExAC 0.00157.
gnomAD v4.1: 899 of 1,583,232 alleles (0.057%); highest among the groups gnomAD compares: Non-Finnish European, 0.0097%; 13 homozygotes.

Submissions (12):

Labcorp Genetics (formerly Invitae), Labcorp
Classification: Benign for Parathyroid carcinoma. Last evaluated: 2026-02-03. Review status: criteria provided, single submitter. Criteria: Invitae Variant Classification Sherloc (09022015). Collection method: clinical testing. Allele origin: germline.

ARUP Laboratories, Molecular Genetics and Genomics, ARUP Laboratories
Classification: Likely benign. Last evaluated: 2025-04-08. Review status: criteria provided, single submitter. Criteria: ARUP Molecular Germline Variant Investigation Process 2024. Collection method: clinical testing. Allele origin: germline.

CeGaT Center for Human Genetics Tuebingen
Classification: Likely benign. Last evaluated: 2025-01-01. Review status: criteria provided, single submitter. Criteria: CeGaT Center For Human Genetics Tuebingen Variant Classification Criteria Version 2. Collection method: clinical testing. Allele origin: germline. Affected: yes. Observed: 2 variant alleles.
Comment: CDC73: BP4, BP7

Blueprint Genetics
Classification: Likely benign. Last evaluated: 2024-11-13. Review status: criteria provided, single submitter. Criteria: ACMG Guidelines, 2015. Collection method: clinical testing. Allele origin: germline.

Women's Health and Genetics/Laboratory Corporation of America, LabCorp
Classification: Benign. Last evaluated: 2023-12-18. Review status: criteria provided, single submitter. Criteria: LabCorp Variant Classification Summary - May 2015. Collection method: clinical testing. Allele origin: germline.
Comment: Variant summary: CDC73 c.1032T>G (p.Val344Val) alters a non-conserved nucleotide located close to a canonical splice site and therefore could affect mRNA splicing, leading to a significantly altered protein sequence. Consensus agreement among computation tools predict no significant impact on normal splicing. However, these predictions have yet to be confirmed by functional studies. The variant allele was found at a frequency of 0.0012 in 211726 control chromosomes in the gnomAD database, including 2 homozygotes. The observed variant frequency is approximately 286 fold of the estimated maximal expected allele frequency for a pathogenic variant in CDC73 causing Hyperparathyroidism-Jaw Tumor Syndrome phenotype (4.1e-06), strongly suggesting that the variant is benign. To our knowledge, no occurrence of c.1032T>G in individuals affected with Hyperparathyroidism-Jaw Tumor Syndrome and no experimental evidence demonstrating its impact on protein function have been reported. Six submitters have cited clinical-significance assessments for this variant to ClinVar after 2014. All submitters classified the variant as benign/likely benign. Based on the evidence outlined above, the variant was classified as benign.

Department of Pathology and Laboratory Medicine, Sinai Health System
Classification: Benign for Parathyroid carcinoma; Hyperparathyroidism 2 with jaw tumors. Last evaluated: 2022-09-08. Review status: criteria provided, single submitter. Criteria: ACMG Guidelines, 2015. Collection method: clinical testing. Allele origin: germline. Affected: yes.

GeneDx
Classification: Likely benign. Last evaluated: 2020-10-15. Review status: criteria provided, single submitter. Criteria: GeneDx Variant Classification Process June 2021. Collection method: clinical testing. Allele origin: germline. Affected: yes.

Ambry Genetics
Classification: Likely benign for Hereditary cancer-predisposing syndrome. Last evaluated: 2018-11-30. Review status: criteria provided, single submitter. Criteria: Ambry Variant Classification Scheme 2023. Collection method: clinical testing. Allele origin: germline.

Illumina Laboratory Services, Illumina
Classification: Likely benign for Hyperparathyroidism 1. Last evaluated: 2018-01-13. Review status: criteria provided, single submitter. Criteria: ICSL Variant Classification Criteria 13 December 2019. Collection method: clinical testing. Allele origin: germline.
Comment: This variant was observed in the ICSL laboratory as part of a predisposition screen in an ostensibly healthy population. It had not been previously curated by ICSL or reported in the Human Gene Mutation Database (HGMD: prior to June 1st, 2018), and was therefore a candidate for classification through an automated scoring system. Utilizing variant allele frequency, disease prevalence and penetrance estimates, and inheritance mode, an automated score was calculated to assess if this variant is too frequent to cause the disease. Based on the score and internal cut-off values, a variant classified as likely benign is not then subjected to further curation. The score for this variant resulted in a classification of likely benign for this disease.

Illumina Laboratory Services, Illumina
Classification: Benign for Parathyroid carcinoma. Last evaluated: 2018-01-13. Review status: criteria provided, single submitter. Criteria: ICSL Variant Classification Criteria 13 December 2019. Collection method: clinical testing. Allele origin: germline.
Comment: This variant was observed in the ICSL laboratory as part of a predisposition screen in an ostensibly healthy population. It had not been previously curated by ICSL or reported in the Human Gene Mutation Database (HGMD: prior to June 1st, 2018), and was therefore a candidate for classification through an automated scoring system. Utilizing variant allele frequency, disease prevalence and penetrance estimates, and inheritance mode, an automated score was calculated to assess if this variant is too frequent to cause the disease. Based on the score and internal cut-off values, a variant classified as benign is not then subjected to further curation. The score for this variant resulted in a classification of benign for this disease.

Illumina Laboratory Services, Illumina
Classification: Benign for Hyperparathyroidism 2 with jaw tumors. Last evaluated: 2018-01-13. Review status: criteria provided, single submitter. Criteria: ICSL Variant Classification Criteria 13 December 2019. Collection method: clinical testing. Allele origin: germline.
Comment: the same text as in the submission from Illumina Laboratory Services, Illumina above.

Breakthrough Genomics
Classification: Likely benign. Review status: criteria provided, single submitter. Criteria: ACMG Guidelines, 2015. Collection method: not provided. Allele origin: germline. Inheritance: Autosomal dominant inheritance. Affected: yes.